The following is an entry in ClinVar:

NM_004484.4(GPC3):c.396C>A (p.Asn132Lys)

Gene: GPC3 (glypican 3; minus strand). Cytogenetic location: Xq26.2.
Variant type: single nucleotide variant.
Coding change: c.396C>A on transcript NM_004484.4 (MANE Select); coding-DNA position 396, C replaced by A.
Protein change: p.Asn132Lys; replaces asparagine 132 with lysine.
Molecular consequence: missense variant.
Genome position (GRCh38, 1-based): chrX:133,754,118, G>T on the plus strand (C>A on the coding strand, the complement: GPC3 is on the minus strand). VCF-style: chrX-133754118-G-T. GRCh37 (hg19) VCF-style: chrX-132888145-G-T.
Other names: c.396C>A, p.Asn132Lys (NM_001164617.2); c.348C>A, p.Asn116Lys (NM_001164618.2); c.234C>A, p.Asn78Lys (NM_001164619.2); short protein forms N132K, N78K, N116K.
Identifiers: ClinVar variation 1406926 (VCV001406926.8), dbSNP rs2124480866, ClinGen allele CA414706731.
Genomic context (GRCh38, chrX:133,754,118, plus strand): 5'-CACATCTGTGAAAAATTCACCCACAAACTCAAAAGCTTGTGGAGTCAGGCTTGGGTAGTT[G>T]TTCTTGAACATGGCATTGGTGTAGTTCTTGGCATGGCGAACAACAATTTCAAAGGCCTCT-3'
Protein context (NP_004475.1, residues 122-142): AKNYTNAMFK[Asn132Lys]NYPSLTPQAF

ClinVar aggregate classification (germline): Uncertain significance (1 of 4 stars; one submission).

Conditions:
Wilms tumor 1 (WT1). Also called: Wilms tumor, somatic. Identifiers: Orphanet 654, MedGen CN033288, MONDO:0008679, OMIM 194070.

Allele frequency attached by ClinVar (database versions not stated): gnomAD exomes below 0.00001.
gnomAD v4.1: 1 of 1,205,896 alleles (0.000083%); highest among the groups gnomAD compares: Non-Finnish European, 0.00011%; no homozygotes.

Submission:

Labcorp Genetics (formerly Invitae), Labcorp
Classification: Uncertain significance for Wilms tumor 1. Last evaluated: 2021-01-15. Review status: criteria provided, single submitter. Criteria: Invitae Variant Classification Sherloc (09022015). Collection method: clinical testing. Allele origin: germline.
Comment: This sequence change replaces asparagine with lysine at codon 132 of the GPC3 protein (p.Asn132Lys). The asparagine residue is moderately conserved and there is a moderate physicochemical difference between asparagine and lysine. In summary, the available evidence is currently insufficient to determine the role of this variant in disease. Therefore, it has been classified as a Variant of Uncertain Significance. Algorithms developed to predict the effect of missense changes on protein structure and function are either unavailable or do not agree on the potential impact of this missense change (SIFT: "Tolerated"; PolyPhen-2: "Possibly Damaging"; Align-GVGD: "Class C0"). This variant has not been reported in the literature in individuals with GPC3-related conditions. This variant is not present in population databases (ExAC no frequency).